The following is an entry in ClinVar:

ClinVar aggregate classification (germline): Uncertain significance (1 of 4 stars; one submission).

Conditions:
ASXL2-related disorder. Also called: ASXL2-related condition.

gnomAD v4.1: 1 of 1,613,894 alleles (0.000062%); highest among the groups gnomAD compares: Non-Finnish European, 0.000085%; no homozygotes.

Submission:

PreventionGenetics, part of Exact Sciences
Classification: Uncertain significance for ASXL2-related condition. Last evaluated: 2025-09-19. Review status: criteria provided, single submitter. Criteria: ACMG Guidelines, 2015. Collection method: clinical testing. Allele origin: germline.
Comment: The ASXL2 c.1280C>T variant is predicted to result in the amino acid substitution p.Ser427Phe. To our knowledge, this variant has not been reported in the literature or in a large population database (gnomAD), indicating this variant is rare. At this time, the clinical significance of this variant is uncertain due to the absence of conclusive functional and genetic evidence.

NM_018263.6(ASXL2):c.1280C>T (p.Ser427Phe)

Gene: ASXL2 (ASXL transcriptional regulator 2; minus strand). Cytogenetic location: 2p23.3.
Variant type: single nucleotide variant.
Coding change: c.1280C>T on transcript NM_018263.6 (MANE Select); coding-DNA position 1280, C replaced by T.
Protein change: p.Ser427Phe; replaces serine 427 with phenylalanine.
Molecular consequence: missense variant.
Genome position (GRCh38, 1-based): chr2:25,750,276, G>A on the plus strand (C>T on the coding strand, the complement: ASXL2 is on the minus strand). VCF-style: chr2-25750276-G-A. GRCh37 (hg19) VCF-style: chr2-25973145-G-A.
Other names: c.1106C>T, p.Ser369Phe (NM_001369346.1); c.500C>T, p.Ser167Phe (NM_001369347.1); short protein forms S369F, S427F, S167F.
Identifiers: ClinVar variation 4996069 (VCV004996069.1).
Genomic context (GRCh38, chr2:25,750,276, plus strand): 5'-CACTCTTCTTTTCTGCCTGGTGATGACATTTGCAATGCTTCTTCTTTACACTCTGACTGG[G>A]AGACTACTGGAACTATTCTGATAAGAGAGGCCTCTGACACAGGCATGGATTTTGGTTGTT-3'
Protein context (NP_060733.4, residues 417-437): ASLIRIVPVV[Ser427Phe]QSECKEEALQ